The following is an entry in ClinVar:

ClinVar aggregate classification (germline): Uncertain significance (1 of 4 stars; one submission).

Conditions:
Developmental and epileptic encephalopathy, 1 (DEE1). Also called: OHTAHARA SYNDROME, X-LINKED; Tonic spasms with clustering, arrest of psychomotor development and hypsarrhythmia on EEG; X-Linked Infantile Spasm Syndrome; X-linked infantile spasms; West's syndrome; INFANTILE SPASM SYNDROME, X-LINKED 1. Identifiers: MedGen C3463992, MONDO:0010632, OMIM 308350. Disease mechanism: loss of function.
Autosomal recessive spinocerebellar ataxia 12. Also called: SPINOCEREBELLAR ATAXIA WITH MENTAL RETARDATION AND EPILEPSY. Identifiers: Orphanet 284282, MedGen C3280452, MONDO:0013687, OMIM 614322.

Allele frequency attached by ClinVar (database versions not stated): TOPMed below 0.00001; gnomAD 0.00001.
gnomAD v4.1: 1 of 1,613,990 alleles (0.000062%); highest among the groups gnomAD compares: Non-Finnish European, 0.000085%; no homozygotes.

Submission:

Labcorp Genetics (formerly Invitae), Labcorp
Classification: Uncertain significance for Developmental and epileptic encephalopathy, 1; Autosomal recessive spinocerebellar ataxia 12. Last evaluated: 2023-07-07. Review status: criteria provided, single submitter. Criteria: Invitae Variant Classification Sherloc (09022015). Collection method: clinical testing. Allele origin: germline.
Comment: This sequence change replaces alanine, which is neutral and non-polar, with valine, which is neutral and non-polar, at codon 185 of the WWOX protein (p.Ala185Val). In summary, the available evidence is currently insufficient to determine the role of this variant in disease. Therefore, it has been classified as a Variant of Uncertain Significance. Advanced modeling of protein sequence and biophysical properties (such as structural, functional, and spatial information, amino acid conservation, physicochemical variation, residue mobility, and thermodynamic stability) performed at Invitae indicates that this missense variant is not expected to disrupt WWOX protein function. ClinVar contains an entry for this variant (Variation ID: 1958139). This variant has not been reported in the literature in individuals affected with WWOX-related conditions. This variant is not present in population databases (gnomAD no frequency).

NM_016373.4(WWOX):c.554C>T (p.Ala185Val)

Gene: WWOX (WW domain containing oxidoreductase; plus strand). Cytogenetic location: 16q23.1.
Variant type: single nucleotide variant.
Coding change: c.554C>T on transcript NM_016373.4 (MANE Select); coding-DNA position 554, C replaced by T.
Protein change: p.Ala185Val; replaces alanine 185 with valine.
Molecular consequence: missense variant.
Genome position (GRCh38, 1-based): chr16:78,386,897, C>T. VCF-style: chr16-78386897-C-T. GRCh37 (hg19) VCF-style: chr16-78420794-C-T.
Other names: c.215C>T, p.Ala72Val (NM_001291997.2); short protein forms A185V, A72V.
Identifiers: ClinVar variation 1958139 (VCV001958139.3), dbSNP rs1953823522, ClinGen allele CA396843908.